The following is an entry in ClinVar:

ClinVar aggregate classification (germline): Conflicting classifications of pathogenicity. Review status: criteria provided, conflicting classifications (1 of 4 stars). 4 submissions from 4 submitters: Uncertain significance (2); Likely benign (1). 1 of the submissions does not count toward it. Last evaluated 2025-12-11.

Conditions:
EGFR-related lung cancer (EGFR). Identifiers: MedGen CN130014.
EGFR-related disorder. Also called: EGFR-related condition.
Lung cancer. Also called: Lung cancer, somatic; Malignant tumor of lung. Identifiers: MedGen C0242379, MONDO:0008903, OMIM 211980.
Inflammatory skin and bowel disease, neonatal, 2 (NNCIS). Identifiers: Orphanet 294023, MedGen C4015130, MONDO:0014481, OMIM 616069.
Hereditary cancer-predisposing syndrome. Also called: Tumor predisposition; Hereditary neoplastic syndrome; Hereditary Cancer Syndrome; Neoplastic Syndromes, Hereditary. Identifiers: Orphanet 140162, MedGen C0027672, MeSH D009386, MONDO:0015356.

Allele frequency attached by ClinVar (database versions not stated): ExAC 0.00002; gnomAD exomes 0.00002 and 0.00009; gnomAD 0.00004 and 0.00005; TOPMed 0.00005.
gnomAD v4.1: 137 of 1,614,030 alleles (0.0085%); highest among the groups gnomAD compares: Non-Finnish European, 0.011%; no homozygotes.

Submissions (4):

Labcorp Genetics (formerly Invitae), Labcorp
Classification: Uncertain significance for EGFR-related lung cancer. Last evaluated: 2025-12-11. Review status: criteria provided, single submitter. Criteria: Invitae Variant Classification Sherloc (09022015). Collection method: clinical testing. Allele origin: germline.
Comment: This sequence change replaces histidine, which is basic and polar, with arginine, which is basic and polar, at codon 145 of the EGFR protein (p.His145Arg). This variant is present in population databases (rs780476417, gnomAD 0.006%). This variant has not been reported in the literature in individuals affected with EGFR-related conditions. ClinVar contains an entry for this variant (Variation ID: 938400). An algorithm developed to predict the effect of missense changes on protein structure and function (PolyPhen-2) suggests that this variant is likely to be tolerated. In summary, the available evidence is currently insufficient to determine the role of this variant in disease. Therefore, it has been classified as a Variant of Uncertain Significance.

Ambry Genetics
Classification: Likely benign for Hereditary cancer-predisposing syndrome. Last evaluated: 2024-12-16. Review status: criteria provided, single submitter. Criteria: Ambry Variant Classification Scheme 2023. Collection method: clinical testing. Allele origin: germline.

Fulgent Genetics
Classification: Uncertain significance for Lung cancer; Inflammatory skin and bowel disease, neonatal, 2. Last evaluated: 2024-05-02. Review status: criteria provided, single submitter. Criteria: ACMG Guidelines, 2015. Collection method: clinical testing. Allele origin: germline.

PreventionGenetics, part of Exact Sciences
Classification: Uncertain significance for EGFR-related condition. Last evaluated: 2024-03-22. Review status: no assertion criteria provided. Collection method: clinical testing. Allele origin: germline. Not counted in ClinVar's aggregate classification.
Comment: The EGFR c.434A>G variant is predicted to result in the amino acid substitution p.His145Arg. To our knowledge, this variant has not been reported in the literature. This variant is reported in 0.0062% of alleles in individuals of European (Non-Finnish) descent in gnomAD. At this time, the clinical significance of this variant is uncertain due to the absence of conclusive functional and genetic evidence.

NM_005228.5(EGFR):c.434A>G (p.His145Arg)

Gene: EGFR (epidermal growth factor receptor; plus strand). Cytogenetic location: 7p11.2.
Variant type: single nucleotide variant.
Coding change: c.434A>G on transcript NM_005228.5 (MANE Select); coding-DNA position 434, A replaced by G.
Protein change: p.His145Arg; replaces histidine 145 with arginine.
Molecular consequence: missense variant. On other transcripts: intron variant (3).
Genome position (GRCh38, 1-based): chr7:55,146,615, A>G. VCF-style: chr7-55146615-A-G. GRCh37 (hg19) VCF-style: chr7-55214308-A-G.
Other names: c.434A>G (NM_005228.4); c.434A>G, p.His145Arg (NM_001346898.2, NM_201282.2, NM_201283.2 and 1 more transcripts); c.275A>G, p.His92Arg (NM_001346900.2); c.424+3127A>G (NM_001346899.2, NM_001346897.2); c.89-9215A>G (NM_001346941.2); short protein forms H92R, H145R.
Identifiers: ClinVar variation 938400 (VCV000938400.11), dbSNP rs780476417, ClinGen allele CA4265219.